The following is an entry in ClinVar:

NM_001130082.3(PLXNB1):c.5643C>T (p.Ile1881=)

Gene: PLXNB1 (plexin B1; minus strand). Cytogenetic location: 3p21.31.
Variant type: single nucleotide variant.
Coding change: c.5643C>T on transcript NM_001130082.3 (MANE Select); coding-DNA position 5643, C replaced by T.
Protein change: p.Ile1881=; no amino-acid change (isoleucine 1881 retained).
Molecular consequence: synonymous variant.
Genome position (GRCh38, 1-based): chr3:48,410,040, G>A on the plus strand (C>T on the coding strand, the complement: PLXNB1 is on the minus strand). VCF-style: chr3-48410040-G-A. GRCh37 (hg19) VCF-style: chr3-48451449-G-A.
Other names: c.5643C>T, p.Ile1881= (NM_002673.6).
Identifiers: ClinVar variation 3035707 (VCV003035707.2), dbSNP rs61729211, ClinGen allele CA2373867.

ClinVar aggregate classification (germline): Benign (0 of 4 stars; one submission).

Conditions:
PLXNB1-related disorder. Also called: PLXNB1-related condition.

Allele frequency attached by ClinVar (database versions not stated): gnomAD exomes 0.00049; ExAC 0.00193; gnomAD 0.00540; ESP Exome Variant Server 0.00561; TOPMed 0.00600; 1000 Genomes Project 0.00978; 1000 Genomes Project 30x 0.01015.
gnomAD v4.1: 1,581 of 1,608,924 alleles (0.098%); highest among the groups gnomAD compares: African/African-American, 1.9%; 13 homozygotes.

Submission:

PreventionGenetics, part of Exact Sciences
Classification: Benign for PLXNB1-related condition. Last evaluated: 2019-07-31. Review status: no assertion criteria provided. Collection method: clinical testing. Allele origin: germline.
Comment: This variant is classified as benign based on ACMG/AMP sequence variant interpretation guidelines (Richards et al. 2015 PMID: 25741868, with internal and published modifications).